The following is an entry in ClinVar:

ClinVar aggregate classification (germline): Uncertain significance. Review status: criteria provided, multiple submitters, no conflicts (2 of 4 stars). 2 submissions from 2 submitters: Uncertain significance (2). Last evaluated 2026-07-12.

Conditions:
Cardiovascular phenotype. Identifiers: MedGen CN230736.
TNXB-related disorder. Also called: TNXB-related condition.

gnomAD v4.1: 9 of 1,613,670 alleles (0.00056%); highest among the groups gnomAD compares: Admixed American, 0.0067%; no homozygotes.

Submissions (2):

PreventionGenetics, part of Exact Sciences
Classification: Uncertain significance for TNXB-related condition. Last evaluated: 2026-07-12. Review status: criteria provided, single submitter. Criteria: ACMG Guidelines, 2015. Collection method: clinical testing. Allele origin: germline.
Comment: The TNXB c.4234C>T variant is predicted to result in the amino acid substitution p.Arg1412Trp. To our knowledge, this variant has not been reported in the literature. This variant is reported in 0.0087% of alleles in individuals of Latino descent in gnomAD. At this time, the clinical significance of this variant is uncertain due to the absence of conclusive functional and genetic evidence.

Ambry Genetics
Classification: Uncertain significance for Cardiovascular phenotype. Last evaluated: 2025-05-03. Review status: criteria provided, single submitter. Criteria: Ambry Variant Classification Scheme 2023. Collection method: clinical testing. Allele origin: germline.
Comment: The p.R1412W variant (also known as c.4234C>T), located in coding exon 10 of the TNXB gene, results from a C to T substitution at nucleotide position 4234. The arginine at codon 1412 is replaced by tryptophan, an amino acid with dissimilar properties. This amino acid position is conserved. In addition, this alteration is predicted to be tolerated by in silico analysis. Since supporting evidence is limited at this time, the clinical significance of this alteration remains unclear.

NM_001365276.2(TNXB):c.4234C>T (p.Arg1412Trp)

Gene: TNXB (tenascin XB; minus strand). Cytogenetic location: 6p21.33.
Variant type: single nucleotide variant.
Coding change: c.4234C>T on transcript NM_001365276.2 (MANE Select); coding-DNA position 4234, C replaced by T.
Protein change: p.Arg1412Trp; replaces arginine 1412 with tryptophan.
Molecular consequence: missense variant.
Genome position (GRCh38, 1-based): chr6:32,079,174, G>A on the plus strand (C>T on the coding strand, the complement: TNXB is on the minus strand). VCF-style: chr6-32079174-G-A. GRCh37 (hg19) VCF-style: chr6-32046951-G-A.
Other names: c.4234C>T, p.Arg1412Trp (NM_019105.8); short protein forms R1412W.
Identifiers: ClinVar variation 2451136 (VCV002451136.4), dbSNP rs761371066, ClinGen allele CA3735004.